The following is an entry in ClinVar:

NM_001128840.3(CACNA1D):c.5T>C (p.Met2Thr)

Gene: CACNA1D (calcium voltage-gated channel subunit alpha1 D; plus strand). Cytogenetic location: 3p21.1.
Variant type: single nucleotide variant.
Coding change: c.5T>C on transcript NM_001128840.3 (MANE Select); coding-DNA position 5, T replaced by C.
Protein change: p.Met2Thr; replaces methionine 2 with threonine.
Molecular consequence: missense variant.
Genome position (GRCh38, 1-based): chr3:53,495,171, T>C. VCF-style: chr3-53495171-T-C. GRCh37 (hg19) VCF-style: chr3-53529198-T-C.
Other names: c.5T>C, p.Met2Thr (NM_000720.4, NM_001128839.3); short protein forms M2T.
Identifiers: ClinVar variation 2114788 (VCV002114788.4), dbSNP rs2471494271, ClinGen allele CA353381360.

ClinVar aggregate classification (germline): Uncertain significance (1 of 4 stars; one submission).

Allele frequency attached by ClinVar (database versions not stated): gnomAD exomes below 0.00001.
gnomAD v4.1: 5 of 1,610,300 alleles (0.00031%); highest among the groups gnomAD compares: African/African-American, 0.0027%; no homozygotes.

Submission:

Labcorp Genetics (formerly Invitae), Labcorp
Classification: Uncertain significance. Last evaluated: 2022-03-20. Review status: criteria provided, single submitter. Criteria: Invitae Variant Classification Sherloc (09022015). Collection method: clinical testing. Allele origin: germline.
Comment: In summary, the available evidence is currently insufficient to determine the role of this variant in disease. Therefore, it has been classified as a Variant of Uncertain Significance. This sequence change replaces methionine, which is neutral and non-polar, with threonine, which is neutral and polar, at codon 2 of the CACNA1D protein (p.Met2Thr). This variant is not present in population databases (gnomAD no frequency). This variant has not been reported in the literature in individuals affected with CACNA1D-related conditions. Algorithms developed to predict the effect of missense changes on protein structure and function are either unavailable or do not agree on the potential impact of this missense change (SIFT: "Deleterious"; PolyPhen-2: "Not Available"; Align-GVGD: "Class C0").